The following is an entry in ClinVar:

ClinVar aggregate classification (germline): Likely benign (1 of 4 stars; one submission).

gnomAD v4.1: 533 of 1,613,982 alleles (0.033%); highest among the groups gnomAD compares: Admixed American, 0.66%; 4 homozygotes.

Submission:

CeGaT Center for Human Genetics Tuebingen
Classification: Likely benign. Last evaluated: 2026-08-01. Review status: criteria provided, single submitter. Criteria: CeGaT Center For Human Genetics Tuebingen Variant Classification Criteria Version 2. Collection method: clinical testing. Allele origin: germline. Affected: yes. Observed: 1 variant allele.
Comment: PDCD6IP: BP4, BP7

NM_013374.6(PDCD6IP):c.444C>T (p.Ile148=)

Gene: PDCD6IP (programmed cell death 6 interacting protein; plus strand). Cytogenetic location: 3p22.3.
Variant type: single nucleotide variant.
Coding change: c.444C>T on transcript NM_013374.6 (MANE Select); coding-DNA position 444, C replaced by T.
Protein change: p.Ile148=; no amino-acid change (isoleucine 148 retained).
Molecular consequence: synonymous variant.
Genome position (GRCh38, 1-based): chr3:33,822,064, C>T. VCF-style: chr3-33822064-C-T. GRCh37 (hg19) VCF-style: chr3-33863556-C-T.
Other names: c.444C>T, p.Ile148= (NM_001162429.3, NM_001256192.2).
Identifiers: ClinVar variation 5038811 (VCV005038811.1).